The following is an entry in ClinVar:

ClinVar aggregate classification (germline): Uncertain significance. Review status: criteria provided, multiple submitters, no conflicts (2 of 4 stars). 2 submissions from 2 submitters: Uncertain significance (2). Last evaluated 2024-10-09.

Conditions:
RNU5E-1-associated neurodevelopmental disorder.

Submissions (2):

Institute of Human Genetics, University of Leipzig Medical Center
Classification: Uncertain significance for RNU5E-1-associated neurodevelopmental disorder. Last evaluated: 2024-10-09. Review status: criteria provided, single submitter. Criteria: ACMG Guidelines, 2015. Collection method: literature only. Allele origin: de novo. Inheritance: Autosomal dominant inheritance. Affected: yes. Observed: 1 variant allele.
Comment: This variant was identified as de novo

Institute for Human Genetics, University Hospital Essen
Classification: Uncertain significance. Last evaluated: 2005-03-05. Review status: criteria provided, single submitter. Criteria: ACMG Guidelines, 2015. Collection method: clinical testing. Allele origin: de novo. Affected: yes.
Comment: PM2_supp, PS2

Literature cited by the submitters: DOI 10.1101/2024.10.07.24314689 (cited by Institute of Human Genetics, University of Leipzig Medical Center).

NR_002754.3(RNU5E-1):n.92_93insA

Genes: RNU5E-1 (RNA, U5E small nuclear 1; plus strand), LOC129929420 (ATAC-STARR-seq lymphoblastoid silent region 275; plus strand). Cytogenetic location: 1p36.22.
Variant type: Insertion.
Genome position: GRCh38 VCF-style: chr1-11908243-T-TA. GRCh37 (hg19) VCF-style: chr1-11968300-T-TA.
Identifiers: ClinVar variation 3362396 (VCV003362396.2).